The following is an entry in ClinVar:

NM_001035.3(RYR2):c.226C>T (p.Arg76Trp)

Gene: RYR2 (ryanodine receptor 2; plus strand). Cytogenetic location: 1q43.
Variant type: single nucleotide variant.
Coding change: c.226C>T on transcript NM_001035.3 (MANE Select); coding-DNA position 226, C replaced by T.
Protein change: p.Arg76Trp; replaces arginine 76 with tryptophan.
Molecular consequence: missense variant.
Genome position (GRCh38, 1-based): chr1:237,330,935, C>T. VCF-style: chr1-237330935-C-T. GRCh37 (hg19) VCF-style: chr1-237494235-C-T.
Other names: c.226C>T, p.Arg76Trp (LRG_402t1); short protein forms R76W.
Identifiers: ClinVar variation 420977 (VCV000420977.14), dbSNP rs542777295, ClinGen allele CA086001.

ClinVar aggregate classification (germline): Uncertain significance. Review status: criteria provided, multiple submitters, no conflicts (2 of 4 stars). 4 submissions from 4 submitters: Uncertain significance (4). Last evaluated 2024-10-15.

Conditions:
Cardiomyopathy (CMYO). Also called: Cardiomyopathies. Identifiers: Orphanet 167848, MedGen C0878544, MONDO:0004994, HP:0001638. Inheritance: Various modes of inheritance.
Catecholaminergic polymorphic ventricular tachycardia 1. Also called: RYR2-Related Catecholaminergic Polymorphic Ventricular Tachycardia; VENTRICULAR TACHYCARDIA, STRESS-INDUCED POLYMORPHIC 1; VENTRICULAR TACHYCARDIA, CATECHOLAMINERGIC POLYMORPHIC, 1, WITH OR WITHOUT ATRIAL DYSFUNCTION AND/OR DILATED CARDIOMYOPATHY. Identifiers: Orphanet 3286, MedGen C1631597, MONDO:0011484, OMIM 604772.

Allele frequency attached by ClinVar (database versions not stated): TOPMed below 0.00001; ExAC 0.00001; gnomAD 0.00001; gnomAD exomes 0.00001; 1000 Genomes Project 0.00020; 1000 Genomes Project 30x 0.00031.
gnomAD v4.1: 10 of 1,613,982 alleles (0.00062%); highest among the groups gnomAD compares: East Asian, 0.0022%; no homozygotes.

Submissions (4):

Labcorp Genetics (formerly Invitae), Labcorp
Classification: Uncertain significance for Catecholaminergic polymorphic ventricular tachycardia 1. Last evaluated: 2024-10-15. Review status: criteria provided, single submitter. Criteria: Invitae Variant Classification Sherloc (09022015). Collection method: clinical testing. Allele origin: germline.
Comment: This sequence change replaces arginine, which is basic and polar, with tryptophan, which is neutral and slightly polar, at codon 76 of the RYR2 protein (p.Arg76Trp). This variant is present in population databases (rs542777295, gnomAD 0.004%). This missense change has been observed in individual(s) with clinical features of catecholaminergic polymorphic ventricular tachycardia (PMID: 29453246). ClinVar contains an entry for this variant (Variation ID: 420977). Invitae Evidence Modeling of protein sequence and biophysical properties (such as structural, functional, and spatial information, amino acid conservation, physicochemical variation, residue mobility, and thermodynamic stability) indicates that this missense variant is expected to disrupt RYR2 protein function with a positive predictive value of 95%. In summary, the available evidence is currently insufficient to determine the role of this variant in disease. Therefore, it has been classified as a Variant of Uncertain Significance.

Victorian Clinical Genetics Services, Murdoch Childrens Research Institute
Classification: Uncertain significance for Catecholaminergic polymorphic ventricular tachycardia 1. Last evaluated: 2023-07-17. Review status: criteria provided, single submitter. Criteria: ACMG Guidelines, 2015. Collection method: clinical testing. Allele origin: germline. Inheritance: Autosomal dominant inheritance. Affected: yes.
Comment: Based on the classification scheme VCGS_Germline_v1.3.4, this variant is classified as VUS-3B. Following criteria are met: 0103 - Dominant negative and gain of function are known mechanisms of disease in this gene and are associated with catecholaminergic polymorphic ventricular tachycardia 1 (MIM#604772) and left ventricular non-compaction (PMIDs: 12459180, 27646203, 29477366, 31875585, 33500567). Loss of function has been reported for ventricular arrhythmias due to cardiac ryanodine receptor calcium release deficiency syndrome (MIM#115000), however dominant negative mechanism has not been excluded (PMID: 33536282). (I) 0107 - This gene is associated with autosomal dominant disease. (I) 0112 - The condition associated with this gene has incomplete penetrance. Penetrance for CPVT is estimated to be 60-70% (PMID: 23549275). (I) 0200 - Variant is predicted to result in a missense amino acid change from arginine to tryptophan. (I) 0251 - This variant is heterozygous. (I) 0302 - Variant is present in gnomAD (v2 & v3) <0.001 for a dominant condition (3 heterozygotes, 0 homozygotes). (SP) 0501 - Missense variant consistently predicted to be damaging by multiple in silico tools or highly conserved with a major amino acid change. (SP) 0600 - Variant is located in the annotated inositol 1,4,5-trisphosphate/ryanodine receptor domain (DECIPHER). (I) 0710 - Other missense variant(s) comparable to the one identified in this case have inconclusive previous evidence for pathogenicity. p.(Arg76Pro) and p.(Arg76Gln) have been reported as VUS by clinical testing laboratories (ClinVar). The p.(Arg76Gln) variant was identified in an individual with cardiomyopathy, and another with DCM and heart failure (ClinVar, personal communication). (I) 0809 - Previous evidence of pathogenicity for this variant is inconclusive. It has been reported as a VUS by two clinical testing laboratories, including in an individual with chronic systolic (congestive) heart failure (ClinVar, personal communication). In addition, it has been reported as a rare variant in an individual with suspected CPVT (PMID: 29453246). (I) 0905 - No published segregation evidence has been identified for this variant. (I) 1007 - No published functional evidence has been identified for this variant. (I) 1208 - Inheritance information for this variant is not currently available in this individual. (I) Legend: (SP) - Supporting pathogenic, (I) - Information, (SB) - Supporting benign

Color Diagnostics, LLC DBA Color Health
Classification: Uncertain significance for Cardiomyopathy. Last evaluated: 2022-10-11. Review status: criteria provided, single submitter. Criteria: ACMG Guidelines, 2015. Collection method: clinical testing. Allele origin: germline.
Comment: This missense variant replaces arginine with tryptophan at codon 76 of the RYR2 protein. Computational prediction is inconclusive regarding the impact of this variant on protein structure and function (internally defined REVEL score threshold 0.5 < inconclusive < 0.7, PMID: 27666373). To our knowledge, functional studies have not been reported for this variant. This variant has been reported in an individual suspected of having catecholaminergic polymorphic ventricular tachycardia (PMID: 29453246). This variant has been identified in 3/280598 chromosomes in the general population by the Genome Aggregation Database (gnomAD). The available evidence is insufficient to determine the role of this variant in disease conclusively. Therefore, this variant is classified as a Variant of Uncertain Significance.

GeneDx
Classification: Uncertain significance. Last evaluated: 2020-04-16. Review status: criteria provided, single submitter. Criteria: GeneDx Variant Classification Process June 2021. Collection method: clinical testing. Allele origin: germline. Affected: yes.
Comment: Has not been previously published as pathogenic or benign to our knowledge; Not observed at a significant frequency in large population cohorts (Lek et al., 2016); In silico analysis supports that this missense variant has a deleterious effect on protein structure/function; Not located in one of the three hot-spot regions of the RYR2 gene, where the majority of pathogenic missense variants occur (Medeiros-Domingo et al., 2009)

Literature cited by the submitters: PubMed 29453246 (cited by 3 submitters); PubMed 12459180 (cited by Victorian Clinical Genetics Services, Murdoch Childrens Research Institute); PubMed 23549275 (cited by Victorian Clinical Genetics Services, Murdoch Childrens Research Institute); PubMed 27646203 (cited by Victorian Clinical Genetics Services, Murdoch Childrens Research Institute); PubMed 29477366 (cited by Victorian Clinical Genetics Services, Murdoch Childrens Research Institute); PubMed 31875585 (cited by Victorian Clinical Genetics Services, Murdoch Childrens Research Institute); PubMed 33500567 (cited by Victorian Clinical Genetics Services, Murdoch Childrens Research Institute); PubMed 33536282 (cited by Victorian Clinical Genetics Services, Murdoch Childrens Research Institute).